The following is an entry in ClinVar:

ClinVar aggregate classification (germline): Pathogenic (1 of 4 stars; one submission).

Conditions:
Dyskeratosis congenita, autosomal recessive 5 (DKCB5). Identifiers: MedGen C3554656, MONDO:0014076, OMIM 615190.
Pulmonary fibrosis and/or bone marrow failure, Telomere-related, 3. Also called: PULMONARY FIBROSIS AND/OR BONE MARROW FAILURE SYNDROME, TELOMERE-RELATED, 3. Identifiers: Orphanet 2032, MedGen C4225346, MONDO:0014613, OMIM 616373.

Submission:

Labcorp Genetics (formerly Invitae), Labcorp
Classification: Pathogenic for Dyskeratosis congenita, autosomal recessive 5; Pulmonary fibrosis and/or bone marrow failure, Telomere-related, 3. Last evaluated: 2023-07-08. Review status: criteria provided, single submitter. Criteria: Invitae Variant Classification Sherloc (09022015). Collection method: clinical testing. Allele origin: unknown.
Comment: This variant is a gross deletion of the genomic region encompassing exon(s) 2-30 of the RTEL1 gene, which includes the initiator codon. This deletion extends beyond the assayed region for this gene and therefore may encompass additional genes. It is expected to result in an absent or disrupted protein product. Loss-of-function variants in RTEL1 are known to be pathogenic (PMID: 23453664, 23959892, 25607374). This variant has not been reported in the literature in individuals affected with RTEL1-related conditions. For these reasons, this variant has been classified as Pathogenic.

Literature cited by the submitters: PubMed 23453664; PubMed 23959892; PubMed 25607374.

NC_000020.10:g.(?_62290756)_(62324646_?)del

Gene: RTEL1 (regulator of telomere elongation helicase 1; plus strand). Cytogenetic location: 20q13.33.
Variant type: Deletion.
Identifiers: ClinVar variation 3248301 (VCV003248301.1).